The following is an entry in ClinVar:

ClinVar aggregate classification (germline): Conflicting classifications of pathogenicity. Review status: criteria provided, conflicting classifications (1 of 4 stars). 5 submissions from 5 submitters: Uncertain significance (3); Likely benign (1). 1 of the submissions does not count toward it. Last evaluated 2026-01-23.

Conditions:
Immunodeficiency, common variable, 14. Identifiers: Orphanet 696904, MedGen C4540380, MONDO:0054691, OMIM 617765.
IRF2BP2-related disorder. Also called: IRF2BP2-related condition.

Allele frequency attached by ClinVar (database versions not stated): TOPMed 0.00098; 1000 Genomes Project 30x 0.00187.
gnomAD v4.1: 1,152 of 1,241,462 alleles (0.093%); highest among the groups gnomAD compares: South Asian, 0.67%; 1 homozygote.

Submissions (5):

Labcorp Genetics (formerly Invitae), Labcorp
Classification: Uncertain significance. Last evaluated: 2026-01-23. Review status: criteria provided, single submitter. Criteria: Invitae Variant Classification Sherloc (09022015). Collection method: clinical testing. Allele origin: germline.
Comment: This sequence change replaces proline, which is neutral and non-polar, with alanine, which is neutral and non-polar, at codon 118 of the IRF2BP2 protein (p.Pro118Ala). This variant is present in population databases (rs148187914, gnomAD 0.05%), and has an allele count higher than expected for a pathogenic variant. This variant has not been reported in the literature in individuals affected with IRF2BP2-related conditions. ClinVar contains an entry for this variant (Variation ID: 636927). An algorithm developed to predict the effect of missense changes on protein structure and function (PolyPhen-2) suggests that this variant is likely to be disruptive. In summary, the available evidence is currently insufficient to determine the role of this variant in disease. Therefore, it has been classified as a Variant of Uncertain Significance.

Blueprint Genetics
Classification: Uncertain significance. Last evaluated: 2024-11-13. Review status: criteria provided, single submitter. Criteria: ACMG Guidelines, 2015. Collection method: clinical testing. Allele origin: germline.

CeGaT Center for Human Genetics Tuebingen
Classification: Likely benign. Last evaluated: 2024-08-01. Review status: criteria provided, single submitter. Criteria: CeGaT Center For Human Genetics Tuebingen Variant Classification Criteria Version 2. Collection method: clinical testing. Allele origin: germline. Affected: yes. Observed: 1 variant allele.
Comment: IRF2BP2: PP2, BS1

Center for Genomics, Ann and Robert H. Lurie Children's Hospital of Chicago
Classification: Uncertain significance for Immunodeficiency, common variable, 14. Last evaluated: 2022-02-01. Review status: criteria provided, single submitter. Criteria: ACMG Guidelines, 2015. Collection method: clinical testing. Allele origin: germline.
Comment: IRF2BP2 NM_182972.2 exon 1 p.Pro118Ala (c.352C>G): This variant has been reported in the literature in 1 individual with hypercholesterolemia (Marmontel 2020 PMID:33111339). This variant is present in 0.06% (47/67750) of European alleles in the Genome Aggregation Database. This variant is present in ClinVar (Variation ID:636927). Evolutionary conservation for this variant is limited or unavailable; computational predictive tools suggest that this variant may not impact the protein. In summary, data on this variant is insufficient for disease classification. Therefore, the clinical significance of this variant is uncertain.

PreventionGenetics, part of Exact Sciences
Classification: Likely benign for IRF2BP2-related condition. Last evaluated: 2024-08-28. Review status: no assertion criteria provided. Collection method: clinical testing. Allele origin: germline. Not counted in ClinVar's aggregate classification.
Comment: This variant is classified as likely benign based on ACMG/AMP sequence variant interpretation guidelines (Richards et al. 2015 PMID: 25741868, with internal and published modifications).

NM_182972.3(IRF2BP2):c.352C>G (p.Pro118Ala)

Genes: IRF2BP2 (interferon regulatory factor 2 binding protein 2; minus strand), LOC129932812 (ATAC-STARR-seq lymphoblastoid silent region 1977; plus strand). Cytogenetic location: 1q42.3.
Variant type: single nucleotide variant.
Coding change: c.352C>G on transcript NM_182972.3 (MANE Select); coding-DNA position 352, C replaced by G.
Protein change: p.Pro118Ala; replaces proline 118 with alanine.
Molecular consequence: missense variant.
Genome position (GRCh38, 1-based): chr1:234,609,143, G>C on the plus strand (C>G on the coding strand, the complement: IRF2BP2 is on the minus strand). VCF-style: chr1-234609143-G-C. GRCh37 (hg19) VCF-style: chr1-234744889-G-C.
Other names: c.352C>G, p.Pro118Ala (NM_001077397.1); short protein forms P118A.
Identifiers: ClinVar variation 636927 (VCV000636927.26), dbSNP rs148187914, ClinGen allele CA1461870.
Genomic context (GRCh38, chr1:234,609,143, plus strand): 5'-GGCGGCTGCTGCCGAAGTCAGAGCCGAGGCGCGGGGGCCTCTCGGCCGCGGCCGCCAACG[G>C]GTAGCGCTCCAAGGCCTGCGGCGCGCGCGGGGCCGCCTCGGGGCCGCCGTGGCCAAGCTG-3'
Protein context (NP_892017.2, residues 108-128): PRAPQALERY[Pro118Ala]LAAAAERPPR